The following is an entry in ClinVar:

ClinVar aggregate classification (germline): Pathogenic (1 of 4 stars; one submission).

Conditions:
Breast-ovarian cancer, familial, susceptibility to, 2 (BROVCA2). Also called: BRCA2 Hereditary Breast and Ovarian Cancer. Identifiers: Orphanet 145, MedGen C2675520, MONDO:0012933, OMIM 612555. Disease mechanism: loss of function.

Submission:

Illumina Laboratory Services, Illumina
Classification: Pathogenic for Breast-ovarian cancer, familial, susceptibility to, 2. Last evaluated: 2024-02-16. Review status: criteria provided, single submitter. Criteria: ICSLVariantClassificationCriteria RUGD 01 April 2020. Collection method: clinical testing. Allele origin: unknown.
Comment: The BRCA2 c.1056_1058del p.(Tyr352Ter) variant is predicted to result in premature termination of the protein. Loss of normal protein function through either protein truncation or nonsense-mediated mRNA decay is expected. To our knowledge, the c.1056_1058del p.(Tyr352Ter) variant has not been reported in the peer-reviewed literature. However, other well-known, pathogenic truncating variants have been identified that affect the same exon of BRCA2. This variant is not observed in version 2.1.1 or version 4.0.0 of the Genome Aggregation Database. Based on the available evidence the c.1056_1058del p.(Tyr352Ter) variant is classified as pathogenic for hereditary breast and ovarian cancer.

NM_000059.4(BRCA2):c.1056_1058del (p.Tyr352_Ser353delinsTer)

Gene: BRCA2 (BRCA2 DNA repair associated; plus strand). Cytogenetic location: 13q13.1.
Variant type: Deletion.
Coding change: c.1056_1058del on transcript NM_000059.4 (MANE Select); coding-DNA positions 1056 to 1058, 3 bases deleted (CTC; older notation c.1056_1058delCTC).
Protein change: p.Tyr352_Ser353delinsTer.
Molecular consequence: nonsense. On other transcripts: non-coding transcript variant (1), intron variant (1).
Genome position (GRCh38, 1-based): chr13:32,332,534-32,332,536, CTC deleted. VCF-style (leftmost placement, unchanged base first): chr13-32332533-ACTC-A. GRCh37 (hg19) VCF-style: chr13-32906670-ACTC-A.
Other names: c.424+1504_424+1506del (NM_001406722.1); c.1056_1058del, p.Tyr352_Ser353delinsTer (NM_001406719.1, NM_001406720.1, NM_001406721.1 and 1 more transcripts).
Identifiers: ClinVar variation 3893249 (VCV003893249.1).
Genomic context (GRCh38, chr13:32,332,533, plus strand): 5'-TTTTCCATGAAGCAAACGCTGATGAATGTGAAAAATCTAAAAACCAAGTGAAAGAAAAAT[ACTC>A]ATTTGTATCTGAAGTGGAACCAAATGATACTGATCCATTAGATTCAAATGTAGCAAATCA-3'